The following is an entry in ClinVar:

ClinVar aggregate classification (germline): Uncertain significance. Review status: criteria provided, multiple submitters, no conflicts (2 of 4 stars). 2 submissions from 2 submitters: Uncertain significance (2). Last evaluated 2025-06-17.

Conditions:
Inborn genetic diseases. Identifiers: MedGen C0950123, MeSH D030342.

Allele frequency attached by ClinVar (database versions not stated): gnomAD exomes 0.00001; gnomAD 0.00003; 1000 Genomes Project 0.00020; ExAC 0.00001; 1000 Genomes Project 30x 0.00016; TOPMed 0.00002.

Submissions (2):

Labcorp Genetics (formerly Invitae), Labcorp
Classification: Uncertain significance. Last evaluated: 2025-06-17. Review status: criteria provided, single submitter. Criteria: Invitae Variant Classification Sherloc (09022015). Collection method: clinical testing. Allele origin: germline.
Comment: This sequence change replaces methionine, which is neutral and non-polar, with valine, which is neutral and non-polar, at codon 280 of the CASQ1 protein (p.Met280Val). This variant is present in population databases (rs531978131, gnomAD 0.1%). This variant has not been reported in the literature in individuals affected with CASQ1-related conditions. ClinVar contains an entry for this variant (Variation ID: 3137671). Invitae Evidence Modeling of protein sequence and biophysical properties (such as structural, functional, and spatial information, amino acid conservation, physicochemical variation, residue mobility, and thermodynamic stability) indicates that this missense variant is not expected to disrupt CASQ1 protein function with a negative predictive value of 80%. In summary, the available evidence is currently insufficient to determine the role of this variant in disease. Therefore, it has been classified as a Variant of Uncertain Significance.

Ambry Genetics
Classification: Uncertain significance for Inborn genetic diseases. Last evaluated: 2024-03-01. Review status: criteria provided, single submitter. Criteria: Ambry Variant Classification Scheme 2023. Collection method: clinical testing. Allele origin: germline.

NM_001231.5(CASQ1):c.838A>G (p.Met280Val)

Gene: CASQ1 (calsequestrin 1; plus strand). Cytogenetic location: 1q23.2.
Variant type: single nucleotide variant.
Coding change: c.838A>G on transcript NM_001231.5 (MANE Select); coding-DNA position 838, A replaced by G.
Protein change: p.Met280Val; replaces methionine 280 with valine.
Molecular consequence: missense variant.
Genome position (GRCh38, 1-based): chr1:160,198,686, A>G. VCF-style: chr1-160198686-A-G. GRCh37 (hg19) VCF-style: chr1-160168476-A-G.
Other names: short protein forms M280V.
Identifiers: ClinVar variation 3137671 (VCV003137671.2), dbSNP rs531978131, ClinGen allele CA1196366.